The following is an entry in ClinVar:

ClinVar aggregate classification (germline): Uncertain significance (1 of 4 stars; one submission).

Allele frequency attached by ClinVar (database versions not stated): TOPMed 0.00001.
gnomAD v4.1: 1 of 1,614,032 alleles (0.000062%); highest among the groups gnomAD compares: African/African-American, 0.0013%; no homozygotes.

Submission:

Labcorp Genetics (formerly Invitae), Labcorp
Classification: Uncertain significance. Last evaluated: 2022-02-22. Review status: criteria provided, single submitter. Criteria: Invitae Variant Classification Sherloc (09022015). Collection method: clinical testing. Allele origin: germline.
Comment: Algorithms developed to predict the effect of missense changes on protein structure and function are either unavailable or do not agree on the potential impact of this missense change (SIFT: "Not Available"; PolyPhen-2: "Probably Damaging"; Align-GVGD: "Not Available"). In summary, the available evidence is currently insufficient to determine the role of this variant in disease. Therefore, it has been classified as a Variant of Uncertain Significance. This variant has not been reported in the literature in individuals affected with WNT9B-related conditions. This sequence change replaces cysteine, which is neutral and slightly polar, with tryptophan, which is neutral and slightly polar, at codon 135 of the WNT9B protein (p.Cys135Trp). This variant is not present in population databases (gnomAD no frequency).

NM_003396.3(WNT9B):c.405C>G (p.Cys135Trp)

Genes: LRRC37A2 (leucine rich repeat containing 37 member A2), WNT9B (Wnt family member 9B; plus strand). Cytogenetic location: 17q21.32.
Variant type: single nucleotide variant.
Coding change: c.405C>G on transcript NM_003396.3 (MANE Select); coding-DNA position 405, C replaced by G.
Protein change: p.Cys135Trp; replaces cysteine 135 with tryptophan.
Molecular consequence: missense variant.
Genome position (GRCh38, 1-based): chr17:46,875,171, C>G. VCF-style: chr17-46875171-C-G. GRCh37 (hg19) VCF-style: chr17-44952537-C-G.
Other names: c.405C>G, p.Cys135Trp (NM_001320458.2); short protein forms C135W.
Identifiers: ClinVar variation 2102161 (VCV002102161.4), dbSNP rs1302127442, ClinGen allele CA400014223.